The following is an entry in ClinVar:

NM_021098.3(CACNA1H):c.3969C>T (p.Thr1323=)

Gene: CACNA1H (calcium voltage-gated channel subunit alpha1 H; plus strand). Cytogenetic location: 16p13.3.
Variant type: single nucleotide variant.
Coding change: c.3969C>T on transcript NM_021098.3 (MANE Select); coding-DNA position 3969, C replaced by T.
Protein change: p.Thr1323=; no amino-acid change (threonine 1323 retained).
Molecular consequence: synonymous variant.
Genome position (GRCh38, 1-based): chr16:1,210,493, C>T. VCF-style: chr16-1210493-C-T. GRCh37 (hg19) VCF-style: chr16-1260493-C-T.
Other names: c.3969C>T, p.Thr1323= (NM_001005407.2).
Identifiers: ClinVar variation 3748391 (VCV003748391.2).

ClinVar aggregate classification (germline): Uncertain significance (1 of 4 stars; one submission).

Conditions:
Idiopathic generalized epilepsy. Also called: Generalised epilepsy; EIG. Identifiers: MedGen C0270850, MONDO:0005579, OMIM 600669.
Hyperaldosteronism, familial, type IV (HALD4). Also called: FH IV; ALDOSTERONISM, PRIMARY, AND HYPERTENSION. Identifiers: Orphanet 642671, MedGen C4310756, MONDO:0014875, OMIM 617027.

gnomAD v4.1: 17 of 1,611,620 alleles (0.0011%); highest among the groups gnomAD compares: Non-Finnish European, 0.0014%; no homozygotes.

Submission:

Labcorp Genetics (formerly Invitae), Labcorp
Classification: Uncertain significance for Idiopathic generalized epilepsy; Hyperaldosteronism, familial, type IV. Last evaluated: 2024-06-09. Review status: criteria provided, single submitter. Criteria: Invitae Variant Classification Sherloc (09022015). Collection method: clinical testing. Allele origin: germline.
Comment: This sequence change affects codon 1323 of the CACNA1H mRNA. It is a 'silent' change, meaning that it does not change the encoded amino acid sequence of the CACNA1H protein. It affects a nucleotide within the consensus splice site. This variant is present in population databases (rs374307664, gnomAD 0.004%). This variant has not been reported in the literature in individuals affected with CACNA1H-related conditions. Algorithms developed to predict the effect of sequence changes on RNA splicing suggest that this variant is not likely to affect RNA splicing. In summary, the available evidence is currently insufficient to determine the role of this variant in disease. Therefore, it has been classified as a Variant of Uncertain Significance.